The following is an entry in ClinVar:

ClinVar aggregate classification (germline): Uncertain significance. Review status: criteria provided, multiple submitters, no conflicts (2 of 4 stars). 5 submissions from 5 submitters: Uncertain significance (5). Last evaluated 2025-10-12.

Conditions:
RYR1-related disorder. Also called: RYR1-related condition; RYR1-related disorders. Identifiers: MedGen CN239331.
Malignant hyperthermia, susceptibility to, 1 (MHS1). Also called: RYR1-Related Malignant Hyperthermia Susceptibility; Anesthesia related hyperthermia; Malignant hyperpyrexia; Fulminating hyperpyrexia; Pharmacogenic myopathy; Malignant hyperthermia suceptibility 1. Identifiers: Orphanet 423, MedGen C2930980, MONDO:0007783, OMIM 145600.
Inborn genetic diseases. Identifiers: MedGen C0950123, MeSH D030342.

Allele frequency attached by ClinVar (database versions not stated): gnomAD exomes below 0.00001.
gnomAD v4.1: 1 of 1,613,556 alleles (0.000062%); highest among the groups gnomAD compares: Non-Finnish European, 0.000085%; no homozygotes.

Submissions (5):

Color Diagnostics, LLC DBA Color Health
Classification: Uncertain significance for Malignant hyperthermia, susceptibility to, 1. Last evaluated: 2025-10-12. Review status: criteria provided, single submitter. Criteria: ACMG Guidelines, 2015. Collection method: clinical testing. Allele origin: germline.
Comment: This missense variant replaces glycine with alanine at codon 4184 of the RYR1 protein. Computational prediction suggests that this variant may have deleterious impact on protein structure and function. To our knowledge, functional studies have not been reported for this variant. This variant has not been reported in individuals affected with RYR1-related disorders in the literature. This variant has been identified in 1/250156 chromosomes in the general population by the Genome Aggregation Database (gnomAD). The available evidence is insufficient to determine the role of this variant in disease conclusively. Therefore, this variant is classified as a Variant of Uncertain Significance.

Ambry Genetics
Classification: Uncertain significance for Inborn genetic diseases. Last evaluated: 2025-03-06. Review status: criteria provided, single submitter. Criteria: Ambry Variant Classification Scheme 2023. Collection method: clinical testing. Allele origin: germline.

All of Us Research Program, National Institutes of Health
Classification: Uncertain significance for Malignant hyperthermia, susceptibility to, 1. Last evaluated: 2024-01-11. Review status: criteria provided, single submitter. Criteria: ACMG Guidelines, 2015. Collection method: clinical testing. Allele origin: germline. Inheritance: Autosomal dominant inheritance. Observed: 2 variant alleles, 2 heterozygotes.
Comment: This missense variant replaces glycine with alanine at codon 4184 of the RYR1 protein. Computational prediction suggests that this variant may have deleterious impact on protein structure and function (internally defined REVEL score threshold >= 0.7, PMID: 27666373). To our knowledge, functional studies have not been reported for this variant. This variant has not been reported in individuals affected with RYR1-related disorders in the literature. This variant has been identified in 1/250156 chromosomes in the general population by the Genome Aggregation Database (gnomAD). The available evidence is insufficient to determine the role of this variant in disease conclusively. Therefore, this variant is classified as a Variant of Uncertain Significance.

This study involves interpretation of variants in research participants for the purpose of population health screening. Participant phenotype was not available at the time of variant classification. Additional details can be found in publication PMID: 35346344, PMCID: PMC8962531

Labcorp Genetics (formerly Invitae), Labcorp
Classification: Uncertain significance for RYR1-related disorder. Last evaluated: 2021-12-09. Review status: criteria provided, single submitter. Criteria: Invitae Variant Classification Sherloc (09022015). Collection method: clinical testing. Allele origin: germline.
Comment: This sequence change replaces glycine, which is neutral and non-polar, with alanine, which is neutral and non-polar, at codon 4184 of the RYR1 protein (p.Gly4184Ala). This variant is not present in population databases (gnomAD no frequency). This variant has not been reported in the literature in individuals affected with RYR1-related conditions. ClinVar contains an entry for this variant (Variation ID: 546278). Advanced modeling of protein sequence and biophysical properties (such as structural, functional, and spatial information, amino acid conservation, physicochemical variation, residue mobility, and thermodynamic stability) performed at Invitae indicates that this missense variant is expected to disrupt RYR1 protein function. In summary, the available evidence is currently insufficient to determine the role of this variant in disease. Therefore, it has been classified as a Variant of Uncertain Significance.

GeneDx
Classification: Uncertain significance. Last evaluated: 2020-05-08. Review status: criteria provided, single submitter. Criteria: GeneDx Variant Classification Process June 2021. Collection method: clinical testing. Allele origin: germline. Affected: yes.
Comment: Not observed in large population cohorts (Lek et al., 2016); In silico analysis supports that this missense variant has a deleterious effect on protein structure/function; Has not been previously published as pathogenic or benign to our knowledge

NM_000540.3(RYR1):c.12551G>C (p.Gly4184Ala)

Gene: RYR1 (ryanodine receptor 1; plus strand). Cytogenetic location: 19q13.2.
Variant type: single nucleotide variant.
Coding change: c.12551G>C on transcript NM_000540.3 (MANE Select); coding-DNA position 12551, G replaced by C.
Protein change: p.Gly4184Ala; replaces glycine 4184 with alanine.
Molecular consequence: missense variant.
Genome position (GRCh38, 1-based): chr19:38,561,381, G>C. VCF-style: chr19-38561381-G-C. GRCh37 (hg19) VCF-style: chr19-39052021-G-C.
Other names: c.12536G>C, p.Gly4179Ala (NM_001042723.2); short protein forms G4184A, G4179A.
Identifiers: ClinVar variation 546278 (VCV000546278.8), dbSNP rs1555798622, ClinGen allele CA405669637.